The following is an entry in ClinVar:

NM_000395.3(CSF2RB):c.2290G>A (p.Glu764Lys)

Gene: CSF2RB (colony stimulating factor 2 receptor subunit beta; plus strand). Cytogenetic location: 22q12.3.
Variant type: single nucleotide variant.
Coding change: c.2290G>A on transcript NM_000395.3 (MANE Select); coding-DNA position 2290, G replaced by A.
Protein change: p.Glu764Lys; replaces glutamic acid 764 with lysine.
Molecular consequence: missense variant.
Genome position (GRCh38, 1-based): chr22:36,938,098, G>A. VCF-style: chr22-36938098-G-A. GRCh37 (hg19) VCF-style: chr22-37334140-G-A.
Other names: short protein forms E764K.
Identifiers: ClinVar variation 1486825 (VCV001486825.8), dbSNP rs2145828023, ClinGen allele CA411411203.

ClinVar aggregate classification (germline): Uncertain significance (1 of 4 stars; one submission).

Allele frequency attached by ClinVar (database versions not stated): gnomAD exomes below 0.00001.

Submission:

Labcorp Genetics (formerly Invitae), Labcorp
Classification: Uncertain significance. Last evaluated: 2022-12-06. Review status: criteria provided, single submitter. Criteria: Invitae Variant Classification Sherloc (09022015). Collection method: clinical testing. Allele origin: germline.
Comment: This sequence change replaces glutamic acid, which is acidic and polar, with lysine, which is basic and polar, at codon 764 of the CSF2RB protein (p.Glu764Lys). This variant is not present in population databases (gnomAD no frequency). This variant has not been reported in the literature in individuals affected with CSF2RB-related conditions. ClinVar contains an entry for this variant (Variation ID: 1486825). Advanced modeling of protein sequence and biophysical properties (such as structural, functional, and spatial information, amino acid conservation, physicochemical variation, residue mobility, and thermodynamic stability) performed at Invitae indicates that this missense variant is expected to disrupt CSF2RB protein function. In summary, the available evidence is currently insufficient to determine the role of this variant in disease. Therefore, it has been classified as a Variant of Uncertain Significance.